The following is an entry in ClinVar:

ClinVar aggregate classification (germline): Uncertain significance. Review status: criteria provided, multiple submitters, no conflicts (2 of 4 stars). 3 submissions from 3 submitters: Uncertain significance (3). Last evaluated 2026-10-01.

Conditions:
Imerslund-Grasbeck syndrome type 1 (IGS1). Also called: Megaloblastic anemia 1, Finnish type; MEGALOBLASTIC ANEMIA, 1; Imerslund-Gräsbeck syndrome 1. Identifiers: MedGen C4016819, MONDO:0100156, OMIM 261100.
Proteinuria, chronic benign. Identifiers: MedGen C5394384, MONDO:0030042, OMIM 618884.
Imerslund-Grasbeck syndrome. Also called: ENTEROCYTE COBALAMIN MALABSORPTION; ENTEROCYTE INTRINSIC FACTOR RECEPTOR, DEFECT OF; PERNICIOUS ANEMIA, JUVENILE, DUE TO SELECTIVE INTESTINAL MALABSORPTION OF VITAMIN B12, WITH PROTEINURIA; Megaloblastic anemia due to inborn errors of metabolism; Imerslund-Gräsbeck syndrome. Identifiers: Orphanet 35858, MedGen C4551825, MONDO:0009853.

Allele frequency attached by ClinVar (database versions not stated): gnomAD exomes 0.00002; TOPMed 0.00002; 1000 Genomes Project 0.00040; 1000 Genomes Project 30x 0.00047.
gnomAD v4.1: 35 of 1,614,024 alleles (0.0022%); highest among the groups gnomAD compares: Admixed American, 0.027%; no homozygotes.

Submissions (3):

St. Jude Molecular Pathology, St. Jude Children's Research Hospital
Classification: Uncertain significance for Imerslund-Grasbeck syndrome type 1. Last evaluated: 2026-10-01. Review status: criteria provided, single submitter. Criteria: St. Jude Assertion Criteria 2020. Collection method: clinical testing. Allele origin: germline.
Comment: The CUBN c.9350G>A p.(Arg3117His) missense change has a maximum subpopulation frequency of 0.04% in gnomAD v2.1.1. The in sili co tool REVEL predicts a benign effect on protein function, but to our knowledge this prediction has not been confirmed by functional studies. To our knowledge, this variant has not been reported in individuals with Imerslund-Grasbeck syndrome. In summar y, the evidence currently available is insufficient to determine the clinical significance of this variant. It has therefore been classified as of uncertain significance (VUS-Low).

Labcorp Genetics (formerly Invitae), Labcorp
Classification: Uncertain significance for Imerslund-Grasbeck syndrome. Last evaluated: 2024-11-05. Review status: criteria provided, single submitter. Criteria: Invitae Variant Classification Sherloc (09022015). Collection method: clinical testing. Allele origin: germline.
Comment: This sequence change replaces arginine, which is basic and polar, with histidine, which is basic and polar, at codon 3117 of the CUBN protein (p.Arg3117His). This variant is present in population databases (rs184750323, gnomAD 0.04%). This variant has not been reported in the literature in individuals affected with CUBN-related conditions. ClinVar contains an entry for this variant (Variation ID: 2159615). Invitae Evidence Modeling of protein sequence and biophysical properties (such as structural, functional, and spatial information, amino acid conservation, physicochemical variation, residue mobility, and thermodynamic stability) indicates that this missense variant is not expected to disrupt CUBN protein function with a negative predictive value of 80%. In summary, the available evidence is currently insufficient to determine the role of this variant in disease. Therefore, it has been classified as a Variant of Uncertain Significance.

Fulgent Genetics
Classification: Uncertain significance for Imerslund-Grasbeck syndrome type 1; Proteinuria, chronic benign. Last evaluated: 2024-01-11. Review status: criteria provided, single submitter. Criteria: ACMG Guidelines, 2015. Collection method: clinical testing. Allele origin: germline.

NM_001081.4(CUBN):c.9350G>A (p.Arg3117His)

Gene: CUBN (cubilin; minus strand). Cytogenetic location: 10p13.
Variant type: single nucleotide variant.
Coding change: c.9350G>A on transcript NM_001081.4 (MANE Select); coding-DNA position 9350, G replaced by A.
Protein change: p.Arg3117His; replaces arginine 3117 with histidine.
Molecular consequence: missense variant.
Genome position (GRCh38, 1-based): chr10:16,869,740, C>T on the plus strand (G>A on the coding strand, the complement: CUBN is on the minus strand). VCF-style: chr10-16869740-C-T. GRCh37 (hg19) VCF-style: chr10-16911739-C-T.
Other names: short protein forms R3117H.
Identifiers: ClinVar variation 2159615 (VCV002159615.5), dbSNP rs184750323, ClinGen allele CA5422725.